The following is an entry in ClinVar:

ClinVar aggregate classification (germline): Benign/Likely benign. Review status: criteria provided, multiple submitters, no conflicts (2 of 4 stars). 7 submissions from 7 submitters: Benign (6); Likely benign (1). Last evaluated 2026-02-04.

Conditions:
Ciliary dyskinesia, primary, 40. Also called: CILIARY DYSKINESIA, PRIMARY, 40, WITH OR WITHOUT SITUS INVERSUS. Identifiers: MedGen C4749028, MONDO:0032664, OMIM 618300.

Allele frequency attached by ClinVar (database versions not stated): ExAC 0.22134; 1000 Genomes Project 30x 0.22236; 1000 Genomes Project 0.22464; gnomAD 0.20356 and 0.20608; TOPMed 0.21129; ESP Exome Variant Server 0.21613; gnomAD exomes 0.21988 and 0.22099.
gnomAD v4.1: 352,363 of 1,613,082 alleles (22%); highest among the groups gnomAD compares: East Asian, 37%; 39,777 homozygotes.

Submissions (7):

Labcorp Genetics (formerly Invitae), Labcorp
Classification: Benign. Last evaluated: 2026-02-04. Review status: criteria provided, single submitter. Criteria: Invitae Variant Classification Sherloc (09022015). Collection method: clinical testing. Allele origin: germline.

Blueprint Genetics
Classification: Likely benign. Last evaluated: 2024-11-28. Review status: criteria provided, single submitter. Criteria: ACMG Guidelines, 2015. Collection method: clinical testing. Allele origin: germline.

Mayo Clinic Laboratories, Mayo Clinic
Classification: Benign. Last evaluated: 2023-01-31. Review status: criteria provided, single submitter. Criteria: ACMG Guidelines, 2015. Collection method: clinical testing. Allele origin: germline. Observed: 80 variant alleles.
Comment: BA1

Genome-Nilou Lab
Classification: Benign for Ciliary dyskinesia, primary, 40. Last evaluated: 2021-07-30. Review status: criteria provided, single submitter. Criteria: ACMG Guidelines, 2015. Collection method: clinical testing. Allele origin: germline. Affected: no.

GeneDx
Classification: Benign. Last evaluated: 2021-05-04. Review status: criteria provided, single submitter. Criteria: GeneDx Variant Classification Process June 2021. Collection method: clinical testing. Allele origin: germline. Affected: yes.
Comment: This variant is associated with the following publications: (PMID: 17000706)

Laboratory for Molecular Medicine, Mass General Brigham Personalized Medicine
Classification: Benign. Last evaluated: 2016-03-28. Review status: criteria provided, single submitter. Criteria: LMM Criteria. Collection method: clinical testing. Allele origin: germline.
Comment: Variant identified in a genome or exome case(s) and assessed due to predicted null impact of the variant or pathogenic assertions in the literature or databases. Disclaimer: This variant has not undergone full assessment. The following are preliminary notes: Frequency, variant associated with risk of colorectal cancer

Breakthrough Genomics
Classification: Benign. Review status: criteria provided, single submitter. Criteria: ACMG Guidelines, 2015. Collection method: not provided. Allele origin: germline. Inheritance: Autosomal recessive inheritance. Affected: yes.

NM_001372.4(DNAH9):c.6584A>G (p.Asn2195Ser)

Gene: DNAH9 (dynein axonemal heavy chain 9; plus strand). Cytogenetic location: 17p12.
Variant type: single nucleotide variant.
Coding change: c.6584A>G on transcript NM_001372.4 (MANE Select); coding-DNA position 6584, A replaced by G.
Protein change: p.Asn2195Ser; replaces asparagine 2195 with serine.
Molecular consequence: missense variant.
Genome position (GRCh38, 1-based): chr17:11,747,740, A>G. VCF-style: chr17-11747740-A-G. GRCh37 (hg19) VCF-style: chr17-11651057-A-G.
Other names: short protein forms N2195S.
Identifiers: ClinVar variation 402778 (VCV000402778.19), dbSNP rs3744581, ClinGen allele CA8396351.
Genomic context (GRCh38, chr17:11,747,740, plus strand): 5'-CCGTCTGGACTGACCTCAATCCCAAAGCAGTCACAAATGATGAGCTCTTTGGCATCATCA[A>G]TCCAGCCACAGGAGAATGGAAGGATGGTAAGAGTGGGATTCTCCCAGGAGAAAGTCTCTG-3'
Protein context (NP_001363.2, residues 2185-2205): VTNDELFGII[Asn2195Ser]PATGEWKDGL